The following is an entry in ClinVar:

NC_000006.12:g.(?_123438043)_(123465003_?)del

Genes: TRDN (triadin; minus strand), TRDN-AS1 (TRDN antisense RNA 1; plus strand). Cytogenetic location: 6q22.31.
Variant type: Deletion.
Identifiers: ClinVar variation 654094 (VCV000654094.46).

ClinVar aggregate classification (germline): Uncertain significance (1 of 4 stars; one submission).

Conditions:
Catecholaminergic polymorphic ventricular tachycardia 1. Also called: RYR2-Related Catecholaminergic Polymorphic Ventricular Tachycardia; VENTRICULAR TACHYCARDIA, CATECHOLAMINERGIC POLYMORPHIC, 1, WITH OR WITHOUT ATRIAL DYSFUNCTION AND/OR DILATED CARDIOMYOPATHY; VENTRICULAR TACHYCARDIA, STRESS-INDUCED POLYMORPHIC 1. Identifiers: Orphanet 3286, MedGen C1631597, MONDO:0011484, OMIM 604772.

Submission:

Labcorp Genetics (formerly Invitae), Labcorp
Classification: Uncertain significance for Catecholaminergic polymorphic ventricular tachycardia 1. Last evaluated: 2018-08-01. Review status: criteria provided, single submitter. Criteria: Invitae Variant Classification Sherloc (09022015). Collection method: clinical testing. Allele origin: germline.
Comment: Experimental studies and prediction algorithms are not available for this variant, and the functional significance of the deleted exons is currently unknown. This variant is an in-frame deletion of the genomic region encompassing exons 10-12 of the TRDN gene. It preserves the integrity of the reading frame. This variant has not been reported in the literature in individuals with TRDN-related disease. In summary, the available evidence is currently insufficient to determine the role of this variant in disease. Therefore, it has been classified as a Variant of Uncertain Significance.